The following is an entry in ClinVar:

ClinVar aggregate classification (germline): Uncertain significance (1 of 4 stars; one submission).

Conditions:
Inborn genetic diseases. Identifiers: MedGen C0950123, MeSH D030342.

Submission:

Ambry Genetics
Classification: Uncertain significance for Inborn genetic diseases. Last evaluated: 2024-11-15. Review status: criteria provided, single submitter. Criteria: Ambry Variant Classification Scheme 2023. Collection method: clinical testing. Allele origin: germline.
Comment: The p.N2228S variant (also known as c.6683A>G), located in coding exon 45 of the LRRK2 gene, results from an A to G substitution at nucleotide position 6683. The asparagine at codon 2228 is replaced by serine, an amino acid with highly similar properties. This amino acid position is conserved. In addition, this alteration is predicted to be tolerated by in silico analysis. Based on the available evidence, the clinical significance of this variant remains unclear.

NM_198578.4(LRRK2):c.6683A>G (p.Asn2228Ser)

Gene: LRRK2 (leucine rich repeat kinase 2; plus strand). Cytogenetic location: 12q12.
Variant type: single nucleotide variant.
Coding change: c.6683A>G on transcript NM_198578.4 (MANE Select); coding-DNA position 6683, A replaced by G.
Protein change: p.Asn2228Ser; replaces asparagine 2228 with serine.
Molecular consequence: missense variant.
Genome position (GRCh38, 1-based): chr12:40,354,405, A>G. VCF-style: chr12-40354405-A-G. GRCh37 (hg19) VCF-style: chr12-40748207-A-G.
Other names: short protein forms N2228S.
Identifiers: ClinVar variation 3540532 (VCV003540532.1).